The following is an entry in ClinVar:

NM_007078.3(LDB3):c.160G>A (p.Gly54Ser)

Gene: LDB3 (LIM domain binding 3; plus strand). Cytogenetic location: 10q23.2.
Variant type: single nucleotide variant.
Coding change: c.160G>A on transcript NM_007078.3 (MANE Select); coding-DNA position 160, G replaced by A.
Protein change: p.Gly54Ser; replaces glycine 54 with serine.
Molecular consequence: missense variant.
Genome position (GRCh38, 1-based): chr10:86,679,433, G>A. VCF-style: chr10-86679433-G-A. GRCh37 (hg19) VCF-style: chr10-88439190-G-A.
Other names: c.160G>A, p.Gly54Ser (NM_001080114.2, NM_001080115.2, NM_001080116.1 and 8 more transcripts); c.160G>A (NM_007078.2); short protein forms G54S.
Identifiers: ClinVar variation 93526 (VCV000093526.21), dbSNP rs201786090, ClinGen allele CA221472.

ClinVar aggregate classification (germline): Conflicting classifications of pathogenicity. Review status: criteria provided, conflicting classifications (1 of 4 stars). 8 submissions from 8 submitters: Uncertain significance (4); Likely benign (1). 3 of the submissions do not count toward it. Last evaluated 2025-08-18.

Conditions:
Cardiovascular phenotype. Identifiers: MedGen CN230736.
Myofibrillar myopathy 4. Also called: Zaspopathy (type). Identifiers: Orphanet 98912, MedGen C4721886, MONDO:0012277, OMIM 609452.

Allele frequency attached by ClinVar (database versions not stated): TOPMed 0.00001; gnomAD exomes 0.00005 and 0.00003; gnomAD 0.00005 and 0.00003; ESP Exome Variant Server 0.00008; 1000 Genomes Project 30x 0.00062; ExAC 0.00004; 1000 Genomes Project 0.00060.
gnomAD v4.1: 86 of 1,614,112 alleles (0.0053%); highest among the groups gnomAD compares: East Asian, 0.0067%; no homozygotes.

Submissions (8):

Labcorp Genetics (formerly Invitae), Labcorp
Classification: Uncertain significance for Myofibrillar myopathy 4. Last evaluated: 2025-08-18. Review status: criteria provided, single submitter. Criteria: Invitae Variant Classification Sherloc (09022015). Collection method: clinical testing. Allele origin: germline.
Comment: This sequence change replaces glycine, which is neutral and non-polar, with serine, which is neutral and polar, at codon 54 of the LDB3 protein (p.Gly54Ser). This variant is present in population databases (rs201786090, gnomAD 0.005%). This missense change has been observed in individual(s) with hypertrophic or dilated cardiomyopathy (PMID: 24730657, 31983221, 32880476). ClinVar contains an entry for this variant (Variation ID: 93526). An algorithm developed to predict the effect of missense changes on protein structure and function (PolyPhen-2) suggests that this variant is likely to be disruptive. In summary, the available evidence is currently insufficient to determine the role of this variant in disease. Therefore, it has been classified as a Variant of Uncertain Significance.

Revvity Omics, Revvity
Classification: Uncertain significance. Last evaluated: 2023-08-22. Review status: criteria provided, single submitter. Criteria: ACMG Guidelines, 2015. Collection method: clinical testing. Allele origin: germline.

Blueprint Genetics
Classification: Likely benign. Last evaluated: 2022-09-22. Review status: criteria provided, single submitter. Criteria: ACMG Guidelines, 2015. Collection method: clinical testing. Allele origin: germline.

Ambry Genetics
Classification: Uncertain significance for Cardiovascular phenotype. Last evaluated: 2021-11-09. Review status: criteria provided, single submitter. Criteria: Ambry Variant Classification Scheme 2023. Collection method: clinical testing. Allele origin: germline.
Comment: The p.G54S variant (also known as c.160G>A), located in coding exon 2 of the LDB3 gene, results from a G to A substitution at nucleotide position 160. The glycine at codon 54 is replaced by serine, an amino acid with similar properties. This variant was reported in an individual with severe hypertrophic cardiomyopathy (HCM) and in two dilated cardiomyopathy (DCM) cases with limited details (Fratev F et al. J Chem Inf Model, 2014 May;54:1524-36; Mazzarotto F et al. Circulation, 2020 02;141:387-398; Verdonschot JAJ et al. Circ Genom Precis Med, 2020 10;13:476-487). This amino acid position is highly conserved in available vertebrate species. In addition, the in silico prediction for this alteration is inconclusive. Since supporting evidence is limited at this time, the clinical significance of this alteration remains unclear.

Eurofins Ntd Llc (ga)
Classification: Uncertain significance. Last evaluated: 2013-06-10. Review status: criteria provided, single submitter. Criteria: EGL Classification Definitions 2015. Collection method: clinical testing. Allele origin: germline. Observed: 1 variant allele, 1 heterozygote.

Clinical Genetics DNA and cytogenetics Diagnostics Lab, Erasmus MC, Erasmus Medical Center
Classification: Uncertain significance. Review status: no assertion criteria provided. Collection method: clinical testing. Allele origin: germline. Affected: yes. Study: VKGL Data-share Consensus. Not counted in ClinVar's aggregate classification.

Diagnostic Laboratory, Department of Genetics, University Medical Center Groningen
Classification: Uncertain significance. Review status: no assertion criteria provided. Collection method: clinical testing. Allele origin: germline. Affected: yes. Study: VKGL Data-share Consensus. Not counted in ClinVar's aggregate classification.

Joint Genome Diagnostic Labs from Nijmegen and Maastricht, Radboudumc and MUMC+
Classification: Uncertain significance. Review status: no assertion criteria provided. Collection method: clinical testing. Allele origin: germline. Affected: yes. Study: VKGL Data-share Consensus. Not counted in ClinVar's aggregate classification.

Literature cited by the submitters: PubMed 24730657 (cited by Labcorp Genetics (formerly Invitae), Labcorp and Ambry Genetics); PubMed 31983221 (cited by Labcorp Genetics (formerly Invitae), Labcorp and Ambry Genetics); PubMed 32880476 (cited by Labcorp Genetics (formerly Invitae), Labcorp and Ambry Genetics).